The following is an entry in ClinVar:

NM_206933.4(USH2A):c.3529G>T (p.Gly1177Cys)

Genes: USH2A (usherin; minus strand), USH2A-AS1 (USH2A antisense RNA 1; plus strand). Cytogenetic location: 1q41.
Variant type: single nucleotide variant.
Coding change: c.3529G>T on transcript NM_206933.4 (MANE Select); coding-DNA position 3529, G replaced by T.
Protein change: p.Gly1177Cys; replaces glycine 1177 with cysteine.
Molecular consequence: missense variant.
Genome position (GRCh38, 1-based): chr1:216,199,909, C>A on the plus strand (G>T on the coding strand, the complement: USH2A is on the minus strand). VCF-style: chr1-216199909-C-A. GRCh37 (hg19) VCF-style: chr1-216373251-C-A.
Other names: c.3529G>T, p.Gly1177Cys (NM_007123.6); short protein forms G1177C.
Identifiers: ClinVar variation 1043530 (VCV001043530.6), dbSNP rs923020422, ClinGen allele CA37504824.

ClinVar aggregate classification (germline): Uncertain significance (1 of 4 stars; one submission).

Allele frequency attached by ClinVar (database versions not stated): gnomAD exomes below 0.00001; TOPMed below 0.00001; gnomAD 0.00001.
gnomAD v4.1: 3 of 1,613,916 alleles (0.00019%); highest among the groups gnomAD compares: African/African-American, 0.0013%; no homozygotes.

Submission:

Labcorp Genetics (formerly Invitae), Labcorp
Classification: Uncertain significance. Last evaluated: 2021-09-01. Review status: criteria provided, single submitter. Criteria: Invitae Variant Classification Sherloc (09022015). Collection method: clinical testing. Allele origin: germline.
Comment: This sequence change replaces glycine with cysteine at codon 1177 of the USH2A protein (p.Gly1177Cys). The glycine residue is highly conserved and there is a large physicochemical difference between glycine and cysteine. This variant is not present in population databases (ExAC no frequency). This variant has not been reported in the literature in individuals affected with USH2A-related conditions. Algorithms developed to predict the effect of missense changes on protein structure and function are either unavailable or do not agree on the potential impact of this missense change (SIFT: "Deleterious"; PolyPhen-2: "Probably Damaging"; Align-GVGD: "Class C0"). In summary, the available evidence is currently insufficient to determine the role of this variant in disease. Therefore, it has been classified as a Variant of Uncertain Significance.